The following is an entry in ClinVar:

NM_001244008.2(KIF1A):c.1843C>G (p.Arg615Gly)

Gene: KIF1A (kinesin family member 1A; minus strand). Cytogenetic location: 2q37.3.
Variant type: single nucleotide variant.
Coding change: c.1843C>G on transcript NM_001244008.2 (MANE Select); coding-DNA position 1843, C replaced by G.
Protein change: p.Arg615Gly; replaces arginine 615 with glycine.
Molecular consequence: missense variant.
Genome position (GRCh38, 1-based): chr2:240,763,272, G>C on the plus strand (C>G on the coding strand, the complement: KIF1A is on the minus strand). VCF-style: chr2-240763272-G-C. GRCh37 (hg19) VCF-style: chr2-241702689-G-C.
Other names: c.1843C>G, p.Arg615Gly (NM_001320705.2, NM_001330289.2, NM_001379638.1); c.1918C>G, p.Arg640Gly (NM_001330290.2, NM_001379631.1, NM_001379634.1 and 2 more transcripts); c.1816C>G, p.Arg606Gly (NM_001379632.1, NM_001379633.1, NM_001379636.1 and 10 more transcripts); c.1891C>G, p.Arg631Gly (NM_001379637.1, NM_001379648.1); short protein forms R615G, R606G, R640G, R631G.
Identifiers: ClinVar variation 4790774 (VCV004790774.1).

ClinVar aggregate classification (germline): Uncertain significance (1 of 4 stars; one submission).

Conditions:
Neuropathy, hereditary sensory, type 2C. Also called: KIF1A-Related HSAN2 (HSAN2C); Hereditary sensory and autonomic neuropathy type IIC. Identifiers: Orphanet 970, MedGen C3280168, MONDO:0013634, OMIM 614213.
Hereditary spastic paraplegia 30. Identifiers: Orphanet 101010, MedGen C5235139, MONDO:0012476.
Intellectual disability, autosomal dominant 9 (NESCAVS). Also called: KIF1A-Related Neurodevelopmental Disorder; NESCAV SYNDROME. Identifiers: Orphanet 662367, MedGen C5393830, MONDO:0013656, OMIM 614255.

Submission:

Labcorp Genetics (formerly Invitae), Labcorp
Classification: Uncertain significance for Hereditary spastic paraplegia 30; Neuropathy, hereditary sensory, type 2C; Intellectual disability, autosomal dominant 9. Last evaluated: 2025-01-27. Review status: criteria provided, single submitter. Criteria: Invitae Variant Classification Sherloc (09022015). Collection method: clinical testing. Allele origin: germline.
Comment: This sequence change replaces arginine, which is basic and polar, with glycine, which is neutral and non-polar, at codon 606 of the KIF1A protein (p.Arg606Gly). This variant is not present in population databases (gnomAD no frequency). This variant has not been reported in the literature in individuals affected with KIF1A-related conditions. Invitae Evidence Modeling of protein sequence and biophysical properties (such as structural, functional, and spatial information, amino acid conservation, physicochemical variation, residue mobility, and thermodynamic stability) has been performed for this missense variant. However, the output from this modeling did not meet the statistical confidence thresholds required to predict the impact of this variant on KIF1A protein function. In summary, the available evidence is currently insufficient to determine the role of this variant in disease. Therefore, it has been classified as a Variant of Uncertain Significance.